The following is an entry in ClinVar:

ClinVar aggregate classification (germline): Benign/Likely benign. Review status: criteria provided, multiple submitters, no conflicts (2 of 4 stars). 4 submissions from 4 submitters: Benign (1); Likely benign (3). Last evaluated 2026-01-28.

Conditions:
Donnai-Barrow syndrome. Also called: DBS/FOAR SYNDROME; FACIOOCULOACOUSTICORENAL SYNDROME. Identifiers: Orphanet 2143, MedGen C1857277, MONDO:0009104, OMIM 222448.

Allele frequency attached by ClinVar (database versions not stated): gnomAD 0.00020 and 0.00033; TOPMed 0.00027; ExAC 0.00053; gnomAD exomes 0.00058; 1000 Genomes Project 0.00080; 1000 Genomes Project 30x 0.00109.
gnomAD v4.1: 626 of 1,613,628 alleles (0.039%); highest among the groups gnomAD compares: East Asian, 0.84%; 2 homozygotes.

Submissions (4):

Labcorp Genetics (formerly Invitae), Labcorp
Classification: Benign. Last evaluated: 2026-01-28. Review status: criteria provided, single submitter. Criteria: Invitae Variant Classification Sherloc (09022015). Collection method: clinical testing. Allele origin: germline.

Blueprint Genetics
Classification: Likely benign. Last evaluated: 2024-10-26. Review status: criteria provided, single submitter. Criteria: ACMG Guidelines, 2015. Collection method: clinical testing. Allele origin: germline.

Fulgent Genetics
Classification: Likely benign for Donnai-Barrow syndrome. Last evaluated: 2021-08-09. Review status: criteria provided, single submitter. Criteria: ACMG Guidelines, 2015. Collection method: clinical testing. Allele origin: unknown.

Illumina Laboratory Services, Illumina
Classification: Likely benign for Donnai-Barrow syndrome. Last evaluated: 2018-01-12. Review status: criteria provided, single submitter. Criteria: ICSL Variant Classification Criteria 13 December 2019. Collection method: clinical testing. Allele origin: germline.
Comment: This variant was observed in the ICSL laboratory as part of a predisposition screen in an ostensibly healthy population. It had not been previously curated by ICSL or reported in the Human Gene Mutation Database (HGMD: prior to June 1st, 2018), and was therefore a candidate for classification through an automated scoring system. Utilizing variant allele frequency, disease prevalence and penetrance estimates, and inheritance mode, an automated score was calculated to assess if this variant is too frequent to cause the disease. Based on the score and internal cut-off values, a variant classified as likely benign is not then subjected to further curation. The score for this variant resulted in a classification of likely benign for this disease.

NM_004525.3(LRP2):c.10768+12C>T

Gene: LRP2 (LDL receptor related protein 2; minus strand). Cytogenetic location: 2q31.1.
Variant type: single nucleotide variant.
Coding change: c.10768+12C>T on transcript NM_004525.3 (MANE Select); 12 bases into the intron after coding-DNA position 10768, C replaced by T.
Molecular consequence: intron variant.
Genome position (GRCh38, 1-based): chr2:169,175,181, G>A on the plus strand (C>T on the coding strand, the complement: LRP2 is on the minus strand). VCF-style: chr2-169175181-G-A. GRCh37 (hg19) VCF-style: chr2-170031691-G-A.
Identifiers: ClinVar variation 332100 (VCV000332100.14), dbSNP rs17848185, ClinGen allele CA1953259.